The following is an entry in ClinVar:

NM_004551.3(NDUFS3):c.381+6T>C

Gene: NDUFS3 (NADH:ubiquinone oxidoreductase core subunit S3; plus strand). Cytogenetic location: 11p11.2.
Variant type: single nucleotide variant.
Coding change: c.381+6T>C on transcript NM_004551.3 (MANE Select); 6 bases into the intron after coding-DNA position 381, T replaced by C.
Molecular consequence: intron variant.
Genome position (GRCh38, 1-based): chr11:47,580,990, T>C. VCF-style: chr11-47580990-T-C. GRCh37 (hg19) VCF-style: chr11-47602542-T-C.
Other names: p.?; IVS4DS, T-C, +6.
Identifiers: ClinVar variation 304996 (VCV000304996.14), dbSNP rs377579231, ClinGen allele CA5977940.

ClinVar aggregate classification (germline): Uncertain significance. Review status: criteria provided, multiple submitters, no conflicts (2 of 4 stars). 8 submissions from 7 submitters: Uncertain significance (7). 1 of the submissions does not count toward it. Last evaluated 2025-10-01.

Conditions:
Mitochondrial complex I deficiency, nuclear type 1. Also called: NADH-COENZYME Q REDUCTASE DEFICIENCY; MITOCHONDRIAL NADH DEHYDROGENASE COMPONENT OF COMPLEX I, DEFICIENCY OF. Identifiers: MedGen C6022305, MONDO:0100224, OMIM 252010.
Mitochondrial complex I deficiency, nuclear type 8. Also called: Mitochondrial complex 1 deficiency, nuclear type 8. Identifiers: OMIM 618230, MedGen C4748766, MONDO:0032613.
Leigh syndrome (NULS). Also called: Leigh's necrotizing encephalopathy; Leigh's disease; Leigh Syndrome (mtDNA deletion); Leigh's syndrome; LEIGH SYNDROME, NUCLEAR; Leigh Disease. Identifiers: Orphanet 506, MedGen C2931891, MONDO:0009723, OMIM 256000.

Allele frequency attached by ClinVar (database versions not stated): gnomAD 0.00030 and 0.00035; gnomAD exomes 0.00004 and 0.00005; ExAC 0.00008; ESP Exome Variant Server 0.00023; TOPMed 0.00027.
gnomAD v4.1: 109 of 1,614,068 alleles (0.0068%); highest among the groups gnomAD compares: African/African-American, 0.12%; 1 homozygote.

Submissions (8):

GeneDx
Classification: Uncertain significance. Last evaluated: 2025-10-01. Review status: criteria provided, single submitter. Criteria: GeneDx Variant Classification Process June 2021. Collection method: clinical testing. Allele origin: germline. Affected: yes.
Comment: RNA studies demonstrate a damaging effect: RT-PCR analysis of patient fibroblasts showed two extra bands compared with normal control and sequencing of the aberrant gel products demonstrated a 31 bp retention from intron four (c.381+5_381+6ins31) and a 19 bp deletion (c.215_233del) which are both predicted to result in out of frame events with nonsense mediated decay (PMID: 33097395); In silico analysis suggests this variant may impact gene splicing.; This variant is associated with the following publications: (PMID: 33097395)

Mayo Clinic Laboratories, Mayo Clinic
Classification: Uncertain significance. Last evaluated: 2025-09-18. Review status: criteria provided, single submitter. Criteria: ACMG Guidelines, 2015. Collection method: clinical testing. Allele origin: germline. Observed: 1 variant allele.
Comment: PP3, PM2_supporting

Dasa
Classification: Uncertain significance. Last evaluated: 2025-08-06. Review status: criteria provided, single submitter. Criteria: DASA Assertion Criteria. Collection method: clinical testing. Allele origin: germline.
Comment: NM_004551.3(NDUFS3):c.381+6T>C is a splice-region variant predicted to affect normal RNA splicing. This variant has been reported in individuals with NDUFS3-related disorders (PMID: 33097395). Also, this variant is rare in population databases. Computational prediction algorithms are consistent with a deleterious effect. The currently available literature and clinical evidence are not sufficient to establish a definitive association between this variant and the reported condition. Therefore, this variant is classified as a variant of uncertain significance.

Labcorp Genetics (formerly Invitae), Labcorp
Classification: Uncertain significance. Last evaluated: 2022-01-23. Review status: criteria provided, single submitter. Criteria: Invitae Variant Classification Sherloc (09022015). Collection method: clinical testing. Allele origin: germline.
Comment: This sequence change falls in intron 4 of the NDUFS3 gene. It does not directly change the encoded amino acid sequence of the NDUFS3 protein. It affects a nucleotide within the consensus splice site. This variant is present in population databases (rs377579231, gnomAD 0.09%). This variant has been observed in individual(s) with Leigh syndrome (PMID: 33097395). ClinVar contains an entry for this variant (Variation ID: 304996). Variants that disrupt the consensus splice site are a relatively common cause of aberrant splicing (PMID: 17576681, 9536098). Studies have shown that this variant is associated with altered splicing, but the impact on the resulting protein product is unknown (PMID: 33097395). In summary, the available evidence is currently insufficient to determine the role of this variant in disease. Therefore, it has been classified as a Variant of Uncertain Significance.

Revvity Omics, Revvity
Classification: Uncertain significance for Mitochondrial complex I deficiency, nuclear type 8. Last evaluated: 2021-12-02. Review status: criteria provided, single submitter. Criteria: ACMG Guidelines, 2015. Collection method: clinical testing. Allele origin: germline.

Illumina Laboratory Services, Illumina
Classification: Uncertain significance for Leigh syndrome. Last evaluated: 2018-01-12. Review status: criteria provided, single submitter. Criteria: ICSL Variant Classification Criteria 13 December 2019. Collection method: clinical testing. Allele origin: germline.

Illumina Laboratory Services, Illumina
Classification: Uncertain significance for Mitochondrial complex I deficiency, nuclear type 1. Last evaluated: 2018-01-12. Review status: criteria provided, single submitter. Criteria: ICSL Variant Classification Criteria 13 December 2019. Collection method: clinical testing. Allele origin: germline.

OMIM
Classification: Pathogenic for MITOCHONDRIAL COMPLEX I DEFICIENCY, NUCLEAR TYPE 8. Last evaluated: 2021-04-16. Review status: no assertion criteria provided. Collection method: literature only. Allele origin: germline. Not counted in ClinVar's aggregate classification.

Literature cited by the submitters: PubMed 33097395 (cited by 4 submitters); PubMed 17576681 (cited by Labcorp Genetics (formerly Invitae), Labcorp); PubMed 9536098 (cited by Labcorp Genetics (formerly Invitae), Labcorp).